The following is an entry in ClinVar:

NM_000834.5(GRIN2B):c.1781-3C>T

Gene: GRIN2B (glutamate ionotropic receptor NMDA type subunit 2B; minus strand). Cytogenetic location: 12p13.1.
Variant type: single nucleotide variant.
Coding change: c.1781-3C>T on transcript NM_000834.5 (MANE Select); 3 bases into the intron before coding-DNA position 1781, C replaced by T.
Molecular consequence: intron variant.
Genome position (GRCh38, 1-based): chr12:13,608,835, G>A on the plus strand (C>T on the coding strand, the complement: GRIN2B is on the minus strand). VCF-style: chr12-13608835-G-A. GRCh37 (hg19) VCF-style: chr12-13761769-G-A.
Identifiers: ClinVar variation 654936 (VCV000654936.11), dbSNP rs201520798, ClinGen allele CA6461161.

ClinVar aggregate classification (germline): Benign. Review status: criteria provided, single submitter (1 of 4 stars). 2 submissions from 2 submitters: Benign (1). 1 of the submissions does not count toward it. Last evaluated 2024-12-23.

Conditions:
GRIN2B-related disorder. Also called: GRIN2B-related condition.
Intellectual developmental disorder, autosomal dominant 6, with or without seizures. Also called: Intellectual disability, autosomal dominant 6; GRIN2B-related developmental delay, intellectual disability and autism spectrum disorder. Identifiers: Orphanet 589547, MedGen C3151411, MONDO:0013509, OMIM 613970.
Developmental and epileptic encephalopathy, 27 (DEE27). Also called: GRIN2B-Related Neurodevelopmental Disorder; Epileptic encephalopathy, early infantile, 27. Identifiers: Orphanet 3451, MedGen C4015316, MONDO:0014505, OMIM 616139.

Allele frequency attached by ClinVar (database versions not stated): gnomAD exomes 0.00001 and below 0.00001; gnomAD 0.00010 and 0.00011; ExAC 0.00002; TOPMed 0.00009; ESP Exome Variant Server 0.00008.
gnomAD v4.1: 24 of 1,609,610 alleles (0.0015%); highest among the groups gnomAD compares: African/African-American, 0.028%; no homozygotes.

Submissions (2):

Labcorp Genetics (formerly Invitae), Labcorp
Classification: Benign for Developmental and epileptic encephalopathy, 27; Intellectual developmental disorder, autosomal dominant 6, with or without seizures. Last evaluated: 2024-12-23. Review status: criteria provided, single submitter. Criteria: Invitae Variant Classification Sherloc (09022015). Collection method: clinical testing. Allele origin: germline.

PreventionGenetics, part of Exact Sciences
Classification: Likely benign for GRIN2B-related condition. Last evaluated: 2023-12-31. Review status: no assertion criteria provided. Collection method: clinical testing. Allele origin: germline. Not counted in ClinVar's aggregate classification.
Comment: This variant is classified as likely benign based on ACMG/AMP sequence variant interpretation guidelines (Richards et al. 2015 PMID: 25741868, with internal and published modifications).